The following is an entry in ClinVar:

NM_003924.4(PHOX2B):c.609_610delinsA (p.Asn203fs)

Gene: PHOX2B (paired like homeobox 2B; minus strand). Cytogenetic location: 4p13.
Variant type: Indel.
Coding change: c.609_610delinsA on transcript NM_003924.4 (MANE Select); coding-DNA positions 609 to 610, CC replaced by A.
Protein change: p.Asn203fs; shifts the reading frame from asparagine 203.
Molecular consequence: frameshift variant.
Genome position (GRCh38, 1-based): chr4:41,746,142-41,746,143, GG replaced by T on the plus strand (CC replaced by A on the coding strand, the reverse complement: PHOX2B is on the minus strand). VCF-style: chr4-41746142-GG-T. GRCh37 (hg19) VCF-style: chr4-41748159-GG-T.
Other names: short protein forms N203fs.
Identifiers: ClinVar variation 2684393 (VCV002684393.2), dbSNP rs2552096861, ClinGen allele CA2586973818.

ClinVar aggregate classification (germline): Likely pathogenic (1 of 4 stars; one submission).

Conditions:
Central hypoventilation syndrome, congenital, 1, with or without Hirschsprung disease (CCHS1). Also called: CENTRAL HYPOVENTILATION SYNDROME, CONGENITAL, 1; AUTONOMIC CONTROL, CONGENITAL FAILURE OF; ONDINE CURSE, CONGENITAL; Congenital Central Hypoventilation Syndrome (CCHS); Central hypoventilation syndrome, congenital, 1, with or without Hirschsprung. Identifiers: Orphanet 661, MedGen C5562075, MONDO:0800026, OMIM 209880.

Submission:

Laboratorio de Biologia Molecular - Genetica, Hospital de Pediatria Garrahan
Classification: Likely pathogenic for Central hypoventilation syndrome, congenital, 1, with or without Hirschsprung disease. Last evaluated: 2024-01-04. Review status: criteria provided, single submitter. Criteria: ACMG Guidelines, 2015. Collection method: clinical testing. Allele origin: paternal, unknown. Inheritance: Autosomal dominant inheritance. Affected: yes.
Comment: Null variant in a gene where loss of function is a known mechanism of disease and is absent in population databases. The variant is present in many members of the same family, 4 sibblings out of six and their father. The age onset of syntoms was different in each case.